The following is an entry in ClinVar:

NM_001042492.3(NF1):c.4684_4703del (p.Leu1562fs)

Gene: NF1 (neurofibromin 1; plus strand). Cytogenetic location: 17q11.2.
Variant type: Deletion.
Coding change: c.4684_4703del on transcript NM_001042492.3 (MANE Select); coding-DNA positions 4684 to 4703, 20 bases deleted (CTTAACCTTACCAGTTCAAA).
Protein change: p.Leu1562fs; shifts the reading frame from leucine 1562.
Molecular consequence: frameshift variant.
Genome position (GRCh38, 1-based): chr17:31,261,817-31,261,836, CTTAACCTTACCAGTTCAAA deleted. VCF-style (leftmost placement, unchanged base first): chr17-31261816-CCTTAACCTTACCAGTTCAAA-C. GRCh37 (hg19) VCF-style: chr17-29588834-CCTTAACCTTACCAGTTCAAA-C.
Other names: c.4621_4640del20, p.Leu1541Valfs (NM_000267.4); short protein forms L1541fs, L1562fs.
Identifiers: ClinVar variation 2717158 (VCV002717158.3), dbSNP rs2508430486, ClinGen allele CA2697559751.
Genomic context (GRCh38, chr17:31,261,816, plus strand): 5'-ACTTCTTGCATACCTGGGTCCTCCAGAGCACAAACCTGTGGCAGATACACACTGGTCCAG[CCTTAACCTTACCAGTTCAAA>C]GTTTGAGGAATTTATGACTAGGTAAAGTACAACCTTGAAATAGTTGATTGCTTTCTTTTT-3'

ClinVar aggregate classification (germline): Pathogenic (1 of 4 stars; one submission).

Conditions:
Neurofibromatosis, type 1 (NF1). Also called: Neurofibromatosis, type I; NEUROFIBROMATOSIS, TYPE I, SOMATIC; Peripheral type neurofibromatosis; VON RECKLINGHAUSEN DISEASE. Identifiers: Orphanet 636, MedGen C0027831, MONDO:0018975, OMIM 162200. Disease mechanism: loss of function.

Submission:

Labcorp Genetics (formerly Invitae), Labcorp
Classification: Pathogenic for Neurofibromatosis, type 1. Last evaluated: 2023-06-17. Review status: criteria provided, single submitter. Criteria: Invitae Variant Classification Sherloc (09022015). Collection method: clinical testing. Allele origin: germline.
Comment: This sequence change creates a premature translational stop signal (p.Leu1541Valfs*2) in the NF1 gene. It is expected to result in an absent or disrupted protein product. Loss-of-function variants in NF1 are known to be pathogenic (PMID: 10712197, 23913538). This variant is not present in population databases (gnomAD no frequency). For these reasons, this variant has been classified as Pathogenic. Algorithms developed to predict the effect of sequence changes on RNA splicing suggest that this variant may create or strengthen a splice site. This variant has not been reported in the literature in individuals affected with NF1-related conditions.

Literature cited by the submitters: PubMed 10712197; PubMed 23913538.